The following is an entry in ClinVar:

ClinVar aggregate classification (germline): Conflicting classifications of pathogenicity. Review status: criteria provided, conflicting classifications (1 of 4 stars). 3 submissions from 3 submitters: Uncertain significance (1); Likely benign (2). Last evaluated 2026-04-21.

Conditions:
SLC25A38-related disorder. Also called: SLC25A38-related condition; SLC25A38-related disorders.
Sideroblastic anemia 2. Also called: Anemia, sideroblastic, 2, pyridoxine-refractory. Identifiers: Orphanet 260305, MedGen C4225425, MONDO:0008785, OMIM 205950.

Allele frequency attached by ClinVar (database versions not stated): gnomAD 0.00001; gnomAD exomes 0.00002 and 0.00005; ExAC 0.00004; TOPMed 0.00004.
gnomAD v4.1: 29 of 1,613,434 alleles (0.0018%); highest among the groups gnomAD compares: East Asian, 0.045%; no homozygotes.

Submissions (3):

PreventionGenetics, part of Exact Sciences
Classification: Likely benign for SLC25A38-related condition. Last evaluated: 2026-04-21. Review status: criteria provided, single submitter. Criteria: ACMG Guidelines, 2015. Collection method: clinical testing. Allele origin: germline.
Comment: This variant is classified as likely benign based on ACMG/AMP sequence variant interpretation guidelines (Richards et al. 2015 PMID: 25741868, with internal and published modifications).

Labcorp Genetics (formerly Invitae), Labcorp
Classification: Likely benign. Last evaluated: 2024-01-22. Review status: criteria provided, single submitter. Criteria: Invitae Variant Classification Sherloc (09022015). Collection method: clinical testing. Allele origin: germline.

Illumina Laboratory Services, Illumina
Classification: Uncertain significance for Sideroblastic anemia 2. Last evaluated: 2018-01-13. Review status: criteria provided, single submitter. Criteria: ICSL Variant Classification Criteria 13 December 2019. Collection method: clinical testing. Allele origin: germline.

NM_017875.4(SLC25A38):c.288A>G (p.Arg96=)

Gene: SLC25A38 (solute carrier family 25 member 38; plus strand). Cytogenetic location: 3p22.1.
Variant type: single nucleotide variant.
Coding change: c.288A>G on transcript NM_017875.4 (MANE Select); coding-DNA position 288, A replaced by G.
Protein change: p.Arg96=; no amino-acid change (arginine 96 retained).
Molecular consequence: synonymous variant.
Genome position (GRCh38, 1-based): chr3:39,391,452, A>G. VCF-style: chr3-39391452-A-G. GRCh37 (hg19) VCF-style: chr3-39432943-A-G.
Other names: c.288A>G, p.Arg96= (LRG_1133t1, NM_001354798.2).
Identifiers: ClinVar variation 345146 (VCV000345146.12), dbSNP rs765578993, ClinGen allele CA2327421.